The following is an entry in ClinVar:

ClinVar aggregate classification (germline): Uncertain significance (1 of 4 stars; one submission).

Conditions:
Congenital myasthenic syndrome 9. Also called: Myasthenic syndrome, congenital, 9, associated with acetylcholine receptor deficiency. Identifiers: Orphanet 590, MedGen C4225368, MONDO:0014587, OMIM 616325.
Fetal akinesia deformation sequence 1 (FADS1). Also called: Pena-Shokeir syndrome type I; Fetal akinesia sequence. Identifiers: Orphanet 994, MedGen C1276035, MONDO:0100101, OMIM 208150, HP:0001989.

Submission:

Labcorp Genetics (formerly Invitae), Labcorp
Classification: Uncertain significance for Myasthenic syndrome, congenital, 9, associated with acetylcholine receptor deficiency; Pena-Shokeir syndrome type I. Last evaluated: 2019-04-12. Review status: criteria provided, single submitter. Criteria: Invitae Variant Classification Sherloc (09022015). Collection method: clinical testing. Allele origin: germline.
Comment: This sequence change replaces arginine with glycine at codon 367 of the MUSK protein (p.Arg367Gly). The arginine residue is highly conserved and there is a moderate physicochemical difference between arginine and glycine. This variant is not present in population databases (ExAC no frequency). This variant has not been reported in the literature in individuals with MUSK-related conditions. Algorithms developed to predict the effect of missense changes on protein structure and function (SIFT, PolyPhen-2, Align-GVGD) all suggest that this variant is likely to be tolerated, but these predictions have not been confirmed by published functional studies and their clinical significance is uncertain. In summary, the available evidence is currently insufficient to determine the role of this variant in disease. Therefore, it has been classified as a Variant of Uncertain Significance.

NM_005592.4(MUSK):c.1099C>G (p.Arg367Gly)

Gene: MUSK (muscle associated receptor tyrosine kinase; plus strand). Cytogenetic location: 9q31.3.
Variant type: single nucleotide variant.
Coding change: c.1099C>G on transcript NM_005592.4 (MANE Select); coding-DNA position 1099, C replaced by G.
Protein change: p.Arg367Gly; replaces arginine 367 with glycine.
Molecular consequence: missense variant. On other transcripts: 5 prime UTR variant (1), intron variant (2).
Genome position (GRCh38, 1-based): chr9:110,767,998, C>G. VCF-style: chr9-110767998-C-G. GRCh37 (hg19) VCF-style: chr9-113530278-C-G.
Other names: c.-138C>G (NM_001369398.1); c.950+5790C>G (NM_001166280.2); c.920+5790C>G (NM_001166281.2); short protein forms R367G.
Identifiers: ClinVar variation 855698 (VCV000855698.1), dbSNP rs201014623, ClinGen allele CA374469281.